The following is an entry in ClinVar:

ClinVar aggregate classification (germline): Uncertain significance (1 of 4 stars; one submission).

Conditions:
Sulfite oxidase deficiency due to molybdenum cofactor deficiency type A. Also called: Molybdenum cofactor deficiency, complementation group A; Molybdenum Cofactor Deficiency A. Identifiers: Orphanet 308386, Orphanet 833, MedGen C1854988, MONDO:0009643, OMIM 252150.

Submission:

Labcorp Genetics (formerly Invitae), Labcorp
Classification: Uncertain significance for Sulfite oxidase deficiency due to molybdenum cofactor deficiency type A. Last evaluated: 2023-12-11. Review status: criteria provided, single submitter. Criteria: Invitae Variant Classification Sherloc (09022015). Collection method: clinical testing. Allele origin: germline.
Comment: This sequence change replaces cysteine with serine at codon 329 of the MOCS1 protein (p.Cys329Ser). The cysteine residue is highly conserved and there is a moderate physicochemical difference between cysteine and serine. This variant is not present in population databases (gnomAD no frequency). This variant has not been reported in the literature in individuals affected with MOCS1-related conditions. ClinVar contains an entry for this variant (Variation ID: 1472525). An algorithm developed to predict the effect of missense changes on protein structure and function (PolyPhen-2) suggests that this variant is likely to be disruptive. In summary, the available evidence is currently insufficient to determine the role of this variant in disease. Therefore, it has been classified as a Variant of Uncertain Significance.

NM_001358530.2(MOCS1):c.986G>C (p.Cys329Ser)

Gene: MOCS1 (molybdenum cofactor synthesis 1; minus strand). Cytogenetic location: 6p21.2.
Variant type: single nucleotide variant.
Coding change: c.986G>C on transcript NM_001358530.2 (MANE Select); coding-DNA position 986, G replaced by C.
Protein change: p.Cys329Ser; replaces cysteine 329 with serine.
Molecular consequence: missense variant. On other transcripts: non-coding transcript variant (1).
Genome position (GRCh38, 1-based): chr6:39,909,951, C>G on the plus strand (G>C on the coding strand, the complement: MOCS1 is on the minus strand). VCF-style: chr6-39909951-C-G. GRCh37 (hg19) VCF-style: chr6-39877695-C-G.
Other names: c.986G>C, p.Cys329Ser (NM_001075098.4, NM_001358529.2, NM_005943.6); c.725G>C, p.Cys242Ser (NM_001358531.2, NM_001358533.2, NM_001358534.2); short protein forms C329S, C242S.
Identifiers: ClinVar variation 1472525 (VCV001472525.6), dbSNP rs2149400459, ClinGen allele CA364042516.
Genomic context (GRCh38, chr6:39,909,951, plus strand): 5'-TGCTCAGAGGCCCCAGCTCGCAGGTGATCCCGCAGGGATACCTCAGAGTTTCCAAAGAGG[C>G]AGACCTACATGTGGGTGAGGACAATATGCCTTCCTTACCCCTGAGCCTTGGCCTCCTGGC-3'
Protein context (NP_001345459.1, residues 319-339): RITADGNLKV[Cys329Ser]LFGNSEVSLR